The following is an entry in ClinVar:

ClinVar aggregate classification (germline): Uncertain significance (1 of 4 stars; one submission).

Conditions:
FG syndrome (FGS). Identifiers: MedGen C0220769, MONDO:0002010.

gnomAD v4.1: 1 of 1,209,690 alleles (0.000083%); highest among the groups gnomAD compares: Non-Finnish European, 0.00011%; no homozygotes.

Submission:

Labcorp Genetics (formerly Invitae), Labcorp
Classification: Uncertain significance for FG syndrome. Last evaluated: 2024-12-08. Review status: criteria provided, single submitter. Criteria: Invitae Variant Classification Sherloc (09022015). Collection method: clinical testing. Allele origin: germline.
Comment: This sequence change replaces glutamic acid, which is acidic and polar, with glycine, which is neutral and non-polar, at codon 1334 of the MED12 protein (p.Glu1334Gly). This variant is not present in population databases (gnomAD no frequency). This variant has not been reported in the literature in individuals affected with MED12-related conditions. Invitae Evidence Modeling of protein sequence and biophysical properties (such as structural, functional, and spatial information, amino acid conservation, physicochemical variation, residue mobility, and thermodynamic stability) indicates that this missense variant is not expected to disrupt MED12 protein function with a negative predictive value of 95%. In summary, the available evidence is currently insufficient to determine the role of this variant in disease. Therefore, it has been classified as a Variant of Uncertain Significance.

NM_005120.3(MED12):c.4001A>G (p.Glu1334Gly)

Gene: MED12 (mediator complex subunit 12; plus strand). Cytogenetic location: Xq13.1.
Variant type: single nucleotide variant.
Coding change: c.4001A>G on transcript NM_005120.3 (MANE Select); coding-DNA position 4001, A replaced by G.
Protein change: p.Glu1334Gly; replaces glutamic acid 1334 with glycine.
Molecular consequence: missense variant.
Genome position (GRCh38, 1-based): chrX:71,130,168, A>G. VCF-style: chrX-71130168-A-G. GRCh37 (hg19) VCF-style: chrX-70350018-A-G.
Other names: short protein forms E1334G.
Identifiers: ClinVar variation 3634964 (VCV003634964.2).